The following is an entry in ClinVar:

ClinVar aggregate classification (germline): Uncertain significance. Review status: criteria provided, multiple submitters, no conflicts (2 of 4 stars). 4 submissions from 4 submitters: Uncertain significance (4). Last evaluated 2023-07-19.

Conditions:
Epilepsy, familial focal, with variable foci 1 (FFEVF1). Also called: DEPDC5-Related Epilepsy. Identifiers: MedGen C4551983, MONDO:0024556, OMIM 604364.
Familial focal epilepsy with variable foci (FPEVF). Identifiers: Orphanet 98820, MedGen C1858477, MONDO:0020310.

Allele frequency attached by ClinVar (database versions not stated): gnomAD 0.00001; gnomAD exomes 0.00001; TOPMed 0.00002.
gnomAD v4.1: 12 of 1,613,780 alleles (0.00074%); highest among the groups gnomAD compares: East Asian, 0.0022%; no homozygotes.

Submissions (4):

Labcorp Genetics (formerly Invitae), Labcorp
Classification: Uncertain significance for Familial focal epilepsy with variable foci. Last evaluated: 2023-07-19. Review status: criteria provided, single submitter. Criteria: Invitae Variant Classification Sherloc (09022015). Collection method: clinical testing. Allele origin: germline.
Comment: In summary, the available evidence is currently insufficient to determine the role of this variant in disease. Therefore, it has been classified as a Variant of Uncertain Significance. Experimental studies and prediction algorithms are not available or were not evaluated, and the functional significance of this variant is currently unknown. ClinVar contains an entry for this variant (Variation ID: 444585). This variant has not been reported in the literature in individuals affected with DEPDC5-related conditions. This variant is present in population databases (no rsID available, gnomAD 0.003%). This sequence change replaces arginine, which is basic and polar, with glutamine, which is neutral and polar, at codon 1366 of the DEPDC5 protein (p.Arg1366Gln).

Revvity Omics, Revvity
Classification: Uncertain significance. Last evaluated: 2022-05-27. Review status: criteria provided, single submitter. Criteria: ACMG Guidelines, 2015. Collection method: clinical testing. Allele origin: germline.

Victorian Clinical Genetics Services, Murdoch Childrens Research Institute
Classification: Uncertain significance for Epilepsy, familial focal, with variable foci 1. Last evaluated: 2021-05-06. Review status: criteria provided, single submitter. Criteria: ACMG Guidelines, 2015. Collection method: clinical testing. Allele origin: germline. Inheritance: Autosomal dominant inheritance.
Comment: Based on the classification scheme VCGS_Germline_v1.3.4, this variant is classified as VUS-3A Following criteria are met: 0102 - Loss of function is a known mechanism of disease in this gene and is associated with familial focal epilepsy (MIM#604364) and focal cortical dysplasia (PMID: 32848577). (I) 0107 - This gene is associated with autosomal dominant disease. (I) 0200 - Variant is predicted to result in a missense amino acid change from arginine to glutamine. (I) 0251 - This variant is heterozygous. (I) 0302 - Variant is present in gnomAD <0.001 for a dominant condition (v2: 2 heterozygotes, 0 homozygotes). (SP) 0309 - An alternative amino acid change at the same position has been observed in gnomAD (v3: 2 heterozygotes, 0 homozygotes). (I) 0502 - Missense variant with conflicting in silico predictions and uninformative conservation. (I) 0600 - Variant is located in the annotated CTD domain (PMID: 32848577). (I) 0705 - No comparable missense variants have previous evidence for pathogenicity. (I) 0809 - Previous evidence of pathogenicity for this variant is inconclusive. It has been classified as a VUS by a diagnostic laboratory in ClinVar. (I) 0905 - No published segregation evidence has been identified for this variant. (I) 1007- No published functional evidence has been identified for this variant. (SP) Legend: (SP) - Supporting pathogenic, (I) - Information, (SB) - Supporting benign

CeGaT Center for Human Genetics Tuebingen
Classification: Uncertain significance. Last evaluated: 2017-02-28. Review status: criteria provided, single submitter. Criteria: Praxis fuer Humangenetik Tuebingen - Variant Classification Criteria. Collection method: clinical testing. Allele origin: germline. Affected: yes. Observed: 1 variant allele.

Literature cited by the submitters: PubMed 32848577 (cited by Victorian Clinical Genetics Services, Murdoch Childrens Research Institute).

NM_001242896.3(DEPDC5):c.4097G>A (p.Arg1366Gln)

Gene: DEPDC5 (DEP domain containing 5, GATOR1 subcomplex subunit; plus strand). Cytogenetic location: 22q12.3.
Variant type: single nucleotide variant.
Coding change: c.4097G>A on transcript NM_001242896.3 (MANE Select); coding-DNA position 4097, G replaced by A.
Protein change: p.Arg1366Gln; replaces arginine 1366 with glutamine.
Molecular consequence: missense variant. On other transcripts: non-coding transcript variant (5).
Genome position (GRCh38, 1-based): chr22:31,893,645, G>A. VCF-style: chr22-31893645-G-A. GRCh37 (hg19) VCF-style: chr22-32289631-G-A.
Other names: c.4070G>A, p.Arg1357Gln (NM_001136029.4); c.3797G>A, p.Arg1266Gln (NM_001242897.2); c.4031G>A, p.Arg1344Gln (NM_001363852.2, NM_001364320.2); c.3863G>A, p.Arg1288Gln (NM_001363854.2, NM_001364319.2); c.4097G>A, p.Arg1366Gln (NM_001364318.2); c.4013G>A, p.Arg1338Gln (NM_001369901.1, NM_001369902.1); c.4004G>A, p.Arg1335Gln (NM_001369903.1, NM_014662.6); short protein forms R1266Q, R1344Q, R1338Q, R1366Q, R1335Q, R1288Q, R1357Q.
Identifiers: ClinVar variation 444585 (VCV000444585.14), dbSNP rs1064795095, ClinGen allele CA411286918.
Genomic context (GRCh38, chr22:31,893,645, plus strand): 5'-CCACTGTCCCAGAGCAGAGGACTGTGACCCTGGATGTTGACGTGAACAACCGCACAGACC[G>A]GCTGGAGTGGTGCAGCTGTTATTACCATGGCAACTTTTCTCTGAATGCAGCCTTTGAGAT-3'
Protein context (NP_001229825.1, residues 1356-1376): LDVDVNNRTD[Arg1366Gln]LEWCSCYYHG